The following is an entry in ClinVar:

ClinVar aggregate classification (germline): Uncertain significance (1 of 4 stars; one submission).

Submission:

Women's Health and Genetics/Laboratory Corporation of America, LabCorp
Classification: Uncertain significance. Last evaluated: 2024-05-29. Review status: criteria provided, single submitter. Criteria: LabCorp Variant Classification Summary - May 2015. Collection method: clinical testing. Allele origin: germline.
Comment: Variant summary: COL7A1 c.4121G>C (p.Gly1374Ala) results in a non-conservative amino acid change in the encoded protein sequence. Five of five in-silico tools predict a damaging effect of the variant on protein function. Consensus agreement among computation tools predict no significant impact on normal splicing. However, these predictions have yet to be confirmed by functional studies. The variant was absent in 250380 control chromosomes. The available data on variant occurrences in the general population are insufficient to allow any conclusion about variant significance. To our knowledge, no occurrence of c.4121G>C in individuals affected with Dystrophic Epidermolysis Bullosa, Recessive and no experimental evidence demonstrating its impact on protein function have been reported. No submitters have cited clinical-significance assessments for this variant to ClinVar. Based on the evidence outlined above, the variant was classified as uncertain significance.

NM_000094.4(COL7A1):c.4121G>C (p.Gly1374Ala)

Gene: COL7A1 (collagen type VII alpha 1 chain; minus strand). Cytogenetic location: 3p21.31.
Variant type: single nucleotide variant.
Coding change: c.4121G>C on transcript NM_000094.4 (MANE Select); coding-DNA position 4121, G replaced by C.
Protein change: p.Gly1374Ala; replaces glycine 1374 with alanine.
Molecular consequence: missense variant.
Genome position (GRCh38, 1-based): chr3:48,584,374, C>G on the plus strand (G>C on the coding strand, the complement: COL7A1 is on the minus strand). VCF-style: chr3-48584374-C-G. GRCh37 (hg19) VCF-style: chr3-48621807-C-G.
Other names: short protein forms G1374A.
Identifiers: ClinVar variation 3336319 (VCV003336319.1).